The following is an entry in ClinVar:

ClinVar aggregate classification (germline): Uncertain significance (1 of 4 stars; one submission).

Submission:

Labcorp Genetics (formerly Invitae), Labcorp
Classification: Uncertain significance. Last evaluated: 2022-08-16. Review status: criteria provided, single submitter. Criteria: Invitae Variant Classification Sherloc (09022015). Collection method: clinical testing. Allele origin: germline.
Comment: This sequence change replaces leucine, which is neutral and non-polar, with histidine, which is basic and polar, at codon 19 of the TIMM50 protein (p.Leu19His). This variant has not been reported in the literature in individuals affected with TIMM50-related conditions. This variant is not present in population databases (gnomAD no frequency). In summary, the available evidence is currently insufficient to determine the role of this variant in disease. Therefore, it has been classified as a Variant of Uncertain Significance. Algorithms developed to predict the effect of missense changes on protein structure and function output the following: SIFT: "Not Available"; PolyPhen-2: "Benign"; Align-GVGD: "Not Available". The histidine amino acid residue is found in multiple mammalian species, which suggests that this missense change does not adversely affect protein function. ClinVar contains an entry for this variant (Variation ID: 1373879).

NC_000019.10:g.39480600T>A

Gene: TIMM50 (translocase of inner mitochondrial membrane 50; plus strand). Cytogenetic location: 19q13.2.
Variant type: single nucleotide variant.
Genome position: GRCh38 VCF-style: chr19-39480600-T-A. GRCh37 (hg19) VCF-style: chr19-39971240-T-A.
Identifiers: ClinVar variation 1373879 (VCV001373879.9), dbSNP rs2079461247, ClinGen allele CA405784416.